The following is an entry in ClinVar:

NM_001024613.4(FEZF1):c.74C>A (p.Thr25Lys)

Genes: FEZF1 (FEZ family zinc finger 1; minus strand), FEZF1-AS1 (FEZF1 antisense RNA 1; plus strand). Cytogenetic location: 7q31.32.
Variant type: single nucleotide variant.
Coding change: c.74C>A on transcript NM_001024613.4 (MANE Select); coding-DNA position 74, C replaced by A.
Protein change: p.Thr25Lys; replaces threonine 25 with lysine.
Molecular consequence: missense variant.
Genome position (GRCh38, 1-based): chr7:122,304,364, G>T on the plus strand (C>A on the coding strand, the complement: FEZF1 is on the minus strand). VCF-style: chr7-122304364-G-T. GRCh37 (hg19) VCF-style: chr7-121944418-G-T.
Other names: c.74C>A, p.Thr25Lys (NM_001160264.3); short protein forms T25K.
Identifiers: ClinVar variation 1428079 (VCV001428079.5), dbSNP rs1465965223, ClinGen allele CA369036795.

ClinVar aggregate classification (germline): Uncertain significance (1 of 4 stars; one submission).

Allele frequency attached by ClinVar (database versions not stated): gnomAD 0.00002; TOPMed 0.00002; gnomAD exomes 0.00001.

Submission:

Labcorp Genetics (formerly Invitae), Labcorp
Classification: Uncertain significance. Last evaluated: 2022-09-12. Review status: criteria provided, single submitter. Criteria: Invitae Variant Classification Sherloc (09022015). Collection method: clinical testing. Allele origin: germline.
Comment: In summary, the available evidence is currently insufficient to determine the role of this variant in disease. Therefore, it has been classified as a Variant of Uncertain Significance. Algorithms developed to predict the effect of missense changes on protein structure and function (SIFT, PolyPhen-2, Align-GVGD) all suggest that this variant is likely to be tolerated. ClinVar contains an entry for this variant (Variation ID: 1428079). This variant has not been reported in the literature in individuals affected with FEZF1-related conditions. This variant is present in population databases (no rsID available, gnomAD 0.003%). This sequence change replaces threonine, which is neutral and polar, with lysine, which is basic and polar, at codon 25 of the FEZF1 protein (p.Thr25Lys).